The following is an entry in ClinVar:

ClinVar aggregate classification (germline): Uncertain significance (1 of 4 stars; one submission).

Allele frequency attached by ClinVar (database versions not stated): gnomAD exomes below 0.00001.
gnomAD v4.1: 1 of 1,613,736 alleles (0.000062%); highest among the groups gnomAD compares: Non-Finnish European, 0.000085%; no homozygotes.

Submission:

Labcorp Genetics (formerly Invitae), Labcorp
Classification: Uncertain significance. Last evaluated: 2022-08-16. Review status: criteria provided, single submitter. Criteria: Invitae Variant Classification Sherloc (09022015). Collection method: clinical testing. Allele origin: germline.
Comment: This sequence change replaces glutamine, which is neutral and polar, with arginine, which is basic and polar, at codon 1260 of the TTC37 protein (p.Gln1260Arg). This variant is not present in population databases (gnomAD no frequency). This variant has not been reported in the literature in individuals affected with TTC37-related conditions. ClinVar contains an entry for this variant (Variation ID: 1395409). Algorithms developed to predict the effect of missense changes on protein structure and function are either unavailable or do not agree on the potential impact of this missense change (SIFT: "Deleterious"; PolyPhen-2: "Probably Damaging"; Align-GVGD: "Class C0"). In summary, the available evidence is currently insufficient to determine the role of this variant in disease. Therefore, it has been classified as a Variant of Uncertain Significance.

NM_014639.4(SKIC3):c.3779A>G (p.Gln1260Arg)

Gene: SKIC3 (SKI3 subunit of superkiller complex; minus strand). Cytogenetic location: 5q15.
Variant type: single nucleotide variant.
Coding change: c.3779A>G on transcript NM_014639.4 (MANE Select); coding-DNA position 3779, A replaced by G.
Protein change: p.Gln1260Arg; replaces glutamine 1260 with arginine.
Molecular consequence: missense variant.
Genome position (GRCh38, 1-based): chr5:95,494,705, T>C on the plus strand (A>G on the coding strand, the complement: SKIC3 is on the minus strand). VCF-style: chr5-95494705-T-C. GRCh37 (hg19) VCF-style: chr5-94830409-T-C.
Other names: short protein forms Q1260R.
Identifiers: ClinVar variation 1395409 (VCV001395409.5), dbSNP rs2112268629, ClinGen allele CA360448832.